The following is an entry in ClinVar:

NM_017617.5(NOTCH1):c.1595G>C (p.Cys532Ser)

Gene: NOTCH1 (notch receptor 1; minus strand). Cytogenetic location: 9q34.3.
Variant type: single nucleotide variant.
Coding change: c.1595G>C on transcript NM_017617.5 (MANE Select); coding-DNA position 1595, G replaced by C.
Protein change: p.Cys532Ser; replaces cysteine 532 with serine.
Molecular consequence: missense variant.
Genome position (GRCh38, 1-based): chr9:136,516,055, C>G on the plus strand (G>C on the coding strand, the complement: NOTCH1 is on the minus strand). VCF-style: chr9-136516055-C-G. GRCh37 (hg19) VCF-style: chr9-139410507-C-G.
Other names: short protein forms C532S.
Identifiers: ClinVar variation 3767124 (VCV003767124.2).

ClinVar aggregate classification (germline): Uncertain significance (1 of 4 stars; one submission).

Conditions:
Adams-Oliver syndrome 5 (AOS5). Identifiers: Orphanet 974, MedGen C4014970, MONDO:0014459, OMIM 616028.
Aortic valve disease 1 (AOVD1). Identifiers: MedGen C3887892, MONDO:0024523, OMIM 109730.

Submission:

Juno Genomics, Hangzhou Juno Genomics, Inc
Classification: Uncertain significance for Adams-Oliver syndrome 5; Aortic valve disease 1. Review status: criteria provided, single submitter. Criteria: ACMG Guidelines, 2015. Collection method: clinical testing. Allele origin: germline. Affected: yes.
Comment: Absent from controls (or at extremely low frequency if recessive) in Genome Aggregation Database, Exome Sequencing Project, 1000 Genomes Project, or Exome Aggregation Consortium.;Multiple lines of computational evidence support a deleterious effect on the gene or gene product (conservation, evolutionary, splicing impact, etc).;Missense variant in a gene that has a low rate of benign missense variation and where missense variants are a common mechanism of disease.